The following is an entry in ClinVar:

ClinVar aggregate classification (germline): Pathogenic (1 of 4 stars; one submission).

Submission:

Labcorp Genetics (formerly Invitae), Labcorp
Classification: Pathogenic. Last evaluated: 2025-03-20. Review status: criteria provided, single submitter. Criteria: Invitae Variant Classification Sherloc (09022015). Collection method: clinical testing. Allele origin: germline.
Comment: This sequence change creates a premature translational stop signal (p.Gly252Alafs*19) in the COL18A1 gene. It is expected to result in an absent or disrupted protein product. Loss-of-function variants in COL18A1 are known to be pathogenic (PMID: 12415512, 25456301). This variant is not present in population databases (gnomAD no frequency). This variant has not been reported in the literature in individuals affected with COL18A1-related conditions. For these reasons, this variant has been classified as Pathogenic.

Literature cited by the submitters: PubMed 12415512; PubMed 25456301.

NM_001379500.1(COL18A1):c.755del (p.Gly252fs)

Gene: COL18A1 (collagen type XVIII alpha 1 chain; plus strand). Cytogenetic location: 21q22.3.
Variant type: Deletion.
Coding change: c.755del on transcript NM_001379500.1 (MANE Select); coding-DNA position 755, one base deleted (G; older notation c.755delG).
Protein change: p.Gly252fs; shifts the reading frame from glycine 252.
Molecular consequence: frameshift variant.
Genome position (GRCh38, 1-based): chr21:45,475,492, G deleted; the last of 2 consecutive G bases (chr21:45,475,491-45,475,492); deleting either gives the same sequence. VCF-style (leftmost placement, unchanged base first): chr21-45475490-TG-T. GRCh37 (hg19) VCF-style: chr21-46895404-TG-T.
Other names: c.1295del, p.Gly432fs (NM_030582.4); c.2000del, p.Gly667fs (NM_130444.3); short protein forms G252fs, G432fs, G667fs.
Identifiers: ClinVar variation 3672852 (VCV003672852.2).